The following is an entry in ClinVar:

NM_001012339.3(DNAJC21):c.1015C>T (p.Arg339Trp)

Gene: DNAJC21 (DnaJ heat shock protein family (Hsp40) member C21; plus strand). Cytogenetic location: 5p13.2.
Variant type: single nucleotide variant.
Coding change: c.1015C>T on transcript NM_001012339.3 (MANE Select); coding-DNA position 1015, C replaced by T.
Protein change: p.Arg339Trp; replaces arginine 339 with tryptophan.
Molecular consequence: missense variant.
Genome position (GRCh38, 1-based): chr5:34,944,898, C>T. VCF-style: chr5-34944898-C-T. GRCh37 (hg19) VCF-style: chr5-34945003-C-T.
Other names: c.1015C>T, p.Arg339Trp (NM_001348420.2, NM_194283.4); short protein forms R339W.
Identifiers: ClinVar variation 1031724 (VCV001031724.1), dbSNP rs368712421, ClinGen allele CA3228678.
Genomic context (GRCh38, chr5:34,944,898, plus strand): 5'-CAGCTGCTCACGTCAGATTGCTCTTTCAGCATGAAGAATCACGAGAAGTCAAAGAAGCAT[C>T]GGGAAATGGTGGCCTTGCTAAAACAACAGCTGGAGGAGGAAGAAGAAAATTTTTCAAGAC-3'
Protein context (NP_001012339.2, residues 329-349): MKNHEKSKKH[Arg339Trp]EMVALLKQQL

ClinVar aggregate classification (germline): Uncertain significance (1 of 4 stars; one submission).

Conditions:
Bone marrow failure syndrome 3 (BMFS3). Identifiers: MedGen C4310744, MONDO:0014887, OMIM 617052.

Allele frequency attached by ClinVar (database versions not stated): ESP Exome Variant Server 0.00008.
gnomAD v4.1: 6 of 1,613,832 alleles (0.00037%); highest among the groups gnomAD compares: Non-Finnish European, 0.00051%; no homozygotes.

Submission:

Baylor Genetics
Classification: Uncertain significance for Bone marrow failure syndrome 3. Last evaluated: 2018-11-19. Review status: criteria provided, single submitter. Criteria: ACMG Guidelines, 2015. Collection method: clinical testing. Allele origin: unknown. Affected: yes.
Comment: This variant was determined to be of uncertain significance according to ACMG Guidelines, 2015 [PMID:25741868].